The following is an entry in ClinVar:

ClinVar aggregate classification (germline): Uncertain significance. Review status: criteria provided, single submitter (1 of 4 stars). 2 submissions from 2 submitters: Uncertain significance (1). 1 of the submissions does not count toward it. Last evaluated 2022-10-04.

Conditions:
Retinal dystrophy. Also called: Inherited retinal dystrophy. Identifiers: Orphanet 71862, MedGen C0854723, MeSH D058499, MONDO:0019118, HP:0000556.

Allele frequency attached by ClinVar (database versions not stated): gnomAD 0.00001.

Submissions (2):

Labcorp Genetics (formerly Invitae), Labcorp
Classification: Uncertain significance. Last evaluated: 2022-10-04. Review status: criteria provided, single submitter. Criteria: Invitae Variant Classification Sherloc (09022015). Collection method: clinical testing. Allele origin: germline.
Comment: In summary, the available evidence is currently insufficient to determine the role of this variant in disease. Therefore, it has been classified as a Variant of Uncertain Significance. Algorithms developed to predict the effect of missense changes on protein structure and function output the following: SIFT: "Tolerated"; PolyPhen-2: "Benign"; Align-GVGD: "Class C0". The threonine amino acid residue is found in multiple mammalian species, which suggests that this missense change does not adversely affect protein function. ClinVar contains an entry for this variant (Variation ID: 835775). This variant has not been reported in the literature in individuals affected with RGS9-related conditions. The frequency data for this variant in the population databases is considered unreliable, as metrics indicate poor data quality at this position in the gnomAD database. This sequence change replaces alanine, which is neutral and non-polar, with threonine, which is neutral and polar, at codon 572 of the RGS9 protein (p.Ala572Thr).

Institute of Human Genetics, Univ. Regensburg, Univ. Regensburg
Classification: Uncertain significance for Retinal dystrophy. Last evaluated: 2023-01-01. Review status: no assertion criteria provided. Criteria: ACMG Guidelines, 2015. Collection method: clinical testing. Allele origin: germline. Affected: yes. Not counted in ClinVar's aggregate classification.

NM_003835.4(RGS9):c.1714G>A (p.Ala572Thr)

Gene: RGS9 (regulator of G protein signaling 9; plus strand). Cytogenetic location: 17q24.1.
Variant type: single nucleotide variant.
Coding change: c.1714G>A on transcript NM_003835.4 (MANE Select); coding-DNA position 1714, G replaced by A.
Protein change: p.Ala572Thr; replaces alanine 572 with threonine.
Molecular consequence: missense variant.
Genome position (GRCh38, 1-based): chr17:65,225,308, G>A. VCF-style: chr17-65225308-G-A. GRCh37 (hg19) VCF-style: chr17-63221426-G-A.
Other names: c.1705G>A, p.Ala569Thr (NM_001081955.3); short protein forms A569T, A572T.
Identifiers: ClinVar variation 835775 (VCV000835775.9), dbSNP rs561742242, ClinGen allele CA293084353.